The following is an entry in ClinVar:

ClinVar aggregate classification (germline): Likely pathogenic (1 of 4 stars; one submission).

Conditions:
Microcephaly 18, primary, autosomal dominant (MCPH18). Identifiers: MedGen C4479608, MONDO:0054593, OMIM 617520.

Submission:

Clinical Genomics Laboratory, Washington University in St. Louis
Classification: Likely pathogenic for Microcephaly 18, primary, autosomal dominant. Last evaluated: 2023-10-02. Review status: criteria provided, single submitter. Criteria: ACMG Guidelines, 2015. Collection method: clinical testing. Allele origin: germline. Affected: yes.
Comment: The WDFY3 c.8901+1G>A variant, to our knowledge, has not been reported in the medical literature in an affected individual and is absent from the general population (gnomAD v.2.1.1), indicating it is not a common variant. This variant occurs within the canonical splice donor site, which is predicted to cause skipping of the exon, leading to an in-frame transcript lacking 71 amino acids in the BEACH domain (Le Duc D et al., PMID: 31327001). Based on available information and the ACMG/AMP guidelines for variant interpretation (Richards S et al., PMID: 25741868), this variant is classified as likely pathogenic.

NM_014991.6(WDFY3):c.8901+1G>A

Gene: WDFY3 (WD repeat and FYVE domain containing 3; minus strand). Cytogenetic location: 4q21.23.
Variant type: single nucleotide variant.
Coding change: c.8901+1G>A on transcript NM_014991.6 (MANE Select); the canonical splice donor site of the intron after coding-DNA position 8901, G replaced by A.
Molecular consequence: splice donor variant.
Genome position (GRCh38, 1-based): chr4:84,695,969, C>T on the plus strand (G>A on the coding strand, the complement: WDFY3 is on the minus strand). VCF-style: chr4-84695969-C-T. GRCh37 (hg19) VCF-style: chr4-85617122-C-T.
Identifiers: ClinVar variation 2672154 (VCV002672154.1), dbSNP rs2530905739, ClinGen allele CA357538379.